The following is an entry in ClinVar:

NM_004655.4(AXIN2):c.1932C>T (p.Tyr644=)

Gene: AXIN2 (axin 2; minus strand). Cytogenetic location: 17q24.1.
Variant type: single nucleotide variant.
Coding change: c.1932C>T on transcript NM_004655.4 (MANE Select); coding-DNA position 1932, C replaced by T.
Protein change: p.Tyr644=; no amino-acid change (tyrosine 644 retained).
Molecular consequence: synonymous variant.
Genome position (GRCh38, 1-based): chr17:65,536,529, G>A on the plus strand (C>T on the coding strand, the complement: AXIN2 is on the minus strand). VCF-style: chr17-65536529-G-A. GRCh37 (hg19) VCF-style: chr17-63532647-G-A.
Other names: c.1737C>T, p.Tyr579= (NM_001363813.1).
Identifiers: ClinVar variation 2796206 (VCV002796206.5), dbSNP rs1458077502, ClinGen allele CA501691012.
Genomic context (GRCh38, chr17:65,536,529, plus strand): 5'-CCCCCACAGATGGTGCCGGCTGGCTCGTTCGCCTGGAGACGAGCGGGCAGACTCCAAGGG[G>A]TAGGCCTTTTTTGTGCTTTGGGCACTAAACAAGGAATGAGCAGAGAGAAAACAGAAGGAA-3'
Protein context (NP_004646.3, residues 634-654): PHSAQSTKKA[Tyr644=]PLESARSSPG

ClinVar aggregate classification (germline): Benign/Likely benign. Review status: criteria provided, multiple submitters, no conflicts (2 of 4 stars). 3 submissions from 3 submitters: Benign (1); Likely benign (2). Last evaluated 2026-05-24.

Conditions:
Hereditary cancer-predisposing syndrome. Also called: Tumor predisposition; Hereditary neoplastic syndrome; Neoplastic Syndromes, Hereditary; Hereditary Cancer Syndrome. Identifiers: Orphanet 140162, MedGen C0027672, MeSH D009386, MONDO:0015356.
Oligodontia-cancer predisposition syndrome. Also called: TOOTH AGENESIS-COLORECTAL CANCER SYNDROME. Identifiers: Orphanet 300576, MedGen C1837750, MONDO:0012075, OMIM 608615. Disease mechanism: loss of function.

Allele frequency attached by ClinVar (database versions not stated): gnomAD exomes 0.00001.
gnomAD v4.1: 3 of 1,613,862 alleles (0.00019%); highest among the groups gnomAD compares: African/African-American, 0.0013%; no homozygotes.

Submissions (3):

Ambry Genetics
Classification: Likely benign for Hereditary cancer-predisposing syndrome. Last evaluated: 2026-05-24. Review status: criteria provided, single submitter. Criteria: Ambry Variant Classification Scheme 2023. Collection method: clinical testing. Allele origin: germline.

Labcorp Genetics (formerly Invitae), Labcorp
Classification: Likely benign for Oligodontia-cancer predisposition syndrome. Last evaluated: 2025-10-31. Review status: criteria provided, single submitter. Criteria: Invitae Variant Classification Sherloc (09022015). Collection method: clinical testing. Allele origin: germline.

Myriad Genetics, Inc.
Classification: Benign for Oligodontia-cancer predisposition syndrome. Last evaluated: 2024-07-09. Review status: criteria provided, single submitter. Criteria: Myriad Autosomal Dominant, Autosomal Recessive and X-Linked Classification Criteria (2023). Collection method: clinical testing. Allele origin: unknown.
Comment: This variant is considered benign. This variant is a silent/synonymous amino acid change and it is not expected to impact splicing.